The following is an entry in ClinVar:

ClinVar aggregate classification (germline): Conflicting classifications of pathogenicity. Review status: criteria provided, conflicting classifications (1 of 4 stars). 2 submissions from 2 submitters: Uncertain significance (1); Likely benign (1). Last evaluated 2024-12-06.

Allele frequency attached by ClinVar (database versions not stated): ExAC 0.00001; gnomAD exomes 0.00001; gnomAD 0.00003; TOPMed 0.00004.
gnomAD v4.1: 8 of 1,614,082 alleles (0.0005%); highest among the groups gnomAD compares: Admixed American, 0.0083%; no homozygotes.

Submissions (2):

Labcorp Genetics (formerly Invitae), Labcorp
Classification: Uncertain significance. Last evaluated: 2024-12-06. Review status: criteria provided, single submitter. Criteria: Invitae Variant Classification Sherloc (09022015). Collection method: clinical testing. Allele origin: germline.
Comment: This sequence change replaces methionine, which is neutral and non-polar, with threonine, which is neutral and polar, at codon 3860 of the FAT2 protein (p.Met3860Thr). This variant is present in population databases (rs749212402, gnomAD 0.003%). This variant has not been reported in the literature in individuals affected with FAT2-related conditions. ClinVar contains an entry for this variant (Variation ID: 2966086). An algorithm developed to predict the effect of missense changes on protein structure and function outputs the following: PolyPhen-2: "Benign". The threonine amino acid residue is found in multiple mammalian species, which suggests that this missense change does not adversely affect protein function. In summary, the available evidence is currently insufficient to determine the role of this variant in disease. Therefore, it has been classified as a Variant of Uncertain Significance.

Ambry Genetics
Classification: Likely benign. Last evaluated: 2023-11-14. Review status: criteria provided, single submitter. Criteria: Ambry Variant Classification Scheme 2023. Collection method: clinical testing. Allele origin: germline.

NM_001447.3(FAT2):c.11579T>C (p.Met3860Thr)

Genes: FAT2 (FAT atypical cadherin 2; minus strand), SLC36A1 (solute carrier family 36 member 1; plus strand). Cytogenetic location: 5q33.1.
Variant type: single nucleotide variant.
Coding change: c.11579T>C on transcript NM_001447.3 (MANE Select); coding-DNA position 11579, T replaced by C.
Protein change: p.Met3860Thr; replaces methionine 3860 with threonine.
Molecular consequence: missense variant.
Genome position (GRCh38, 1-based): chr5:151,512,491, A>G on the plus strand (T>C on the coding strand, the complement: FAT2 is on the minus strand). VCF-style: chr5-151512491-A-G. GRCh37 (hg19) VCF-style: chr5-150892052-A-G.
Other names: c.11579T>C (NM_001447.2); short protein forms M3860T.
Identifiers: ClinVar variation 2966086 (VCV002966086.4), dbSNP rs749212402, ClinGen allele CA3519975.